The following is an entry in ClinVar:

NM_001130438.3(SPTAN1):c.504+10G>T

Gene: SPTAN1 (spectrin alpha, non-erythrocytic 1; plus strand). Cytogenetic location: 9q34.11.
Variant type: single nucleotide variant.
Coding change: c.504+10G>T on transcript NM_001130438.3 (MANE Select); 10 bases into the intron after coding-DNA position 504, G replaced by T.
Molecular consequence: intron variant.
Genome position (GRCh38, 1-based): chr9:128,574,825, G>T. VCF-style: chr9-128574825-G-T. GRCh37 (hg19) VCF-style: chr9-131337104-G-T.
Other names: c.540+10G>T (NM_001375318.1, NM_001375312.2, NM_001438440.1); c.504+10G>T (NM_001375311.2, NM_001375314.2, NM_001375310.1 and 10 more transcripts).
Identifiers: ClinVar variation 4885131 (VCV004885131.2).

ClinVar aggregate classification (germline): Uncertain significance (1 of 4 stars; one submission).

gnomAD v4.1: 3 of 1,613,914 alleles (0.00019%); highest among the groups gnomAD compares: East Asian, 0.0067%; no homozygotes.

Submission:

Dasa
Classification: Uncertain significance. Last evaluated: 2025-06-28. Review status: criteria provided, single submitter. Criteria: DASA Assertion Criteria. Collection method: clinical testing. Allele origin: germline.
Comment: NM_001130438.3(SPTAN1):c.504+10G>T is a splice-region variant. This variant is rare in population databases. Computational prediction algorithms are consistent with a benign effect. The currently available literature and clinical evidence are not sufficient to establish a definitive association between this variant and the reported condition. Therefore, this variant is classified as a variant of uncertain significance.